The following is an entry in ClinVar:

NM_025179.4(PLXNA2):c.136C>G (p.Arg46Gly)

Gene: PLXNA2 (plexin A2; minus strand). Cytogenetic location: 1q32.2.
Variant type: single nucleotide variant.
Coding change: c.136C>G on transcript NM_025179.4 (MANE Select); coding-DNA position 136, C replaced by G.
Protein change: p.Arg46Gly; replaces arginine 46 with glycine.
Molecular consequence: missense variant.
Genome position (GRCh38, 1-based): chr1:208,217,787, G>C on the plus strand (C>G on the coding strand, the complement: PLXNA2 is on the minus strand). VCF-style: chr1-208217787-G-C. GRCh37 (hg19) VCF-style: chr1-208391132-G-C.
Other names: short protein forms R46G.
Identifiers: ClinVar variation 1508908 (VCV001508908.8), dbSNP rs766460058, ClinGen allele CA344560477.
Genomic context (GRCh38, chr1:208,217,787, plus strand): 5'-CCCCCACATAGACGGCCCCCGTCCCTTGGTGGACGGTCAAGTGGTTGAAGGTCCAGTCAC[G>C]ATTCTCAGAGTGGAAGGTGCTGAACTGAGGCATGCCGGCTGCTGGGGGGGCCAGCAGCAC-3'
Protein context (NP_079455.3, residues 36-56): PQFSTFHSEN[Arg46Gly]DWTFNHLTVH

ClinVar aggregate classification (germline): Uncertain significance (1 of 4 stars; one submission).

Submission:

Labcorp Genetics (formerly Invitae), Labcorp
Classification: Uncertain significance. Last evaluated: 2024-03-11. Review status: criteria provided, single submitter. Criteria: Invitae Variant Classification Sherloc (09022015). Collection method: clinical testing. Allele origin: germline.
Comment: This sequence change replaces arginine, which is basic and polar, with glycine, which is neutral and non-polar, at codon 46 of the PLXNA2 protein (p.Arg46Gly). This variant is not present in population databases (gnomAD no frequency). This variant has not been reported in the literature in individuals affected with PLXNA2-related conditions. ClinVar contains an entry for this variant (Variation ID: 1508908). Advanced modeling of protein sequence and biophysical properties (such as structural, functional, and spatial information, amino acid conservation, physicochemical variation, residue mobility, and thermodynamic stability) performed at Invitae indicates that this missense variant is not expected to disrupt PLXNA2 protein function with a negative predictive value of 80%. In summary, the available evidence is currently insufficient to determine the role of this variant in disease. Therefore, it has been classified as a Variant of Uncertain Significance.